The following is an entry in ClinVar:

ClinVar aggregate classification (germline): Uncertain significance (1 of 4 stars; one submission).

Conditions:
Neurodevelopmental disorder with dysmorphic facies and behavioral abnormalities (NEDFBA). Identifiers: MedGen C5882684, MONDO:0957583, OMIM 620489.

gnomAD v4.1: 1 of 1,613,898 alleles (0.000062%); highest among the groups gnomAD compares: Non-Finnish European, 0.000085%; no homozygotes.

Submission:

Broad Center for Mendelian Genomics, Broad Institute of MIT and Harvard
Classification: Uncertain significance for Neurodevelopmental disorder with dysmorphic facies and behavioral abnormalities. Last evaluated: 2026-08-12. Review status: criteria provided, single submitter. Criteria: ACMG Guidelines, 2015. Collection method: research. Allele origin: germline. Inheritance: Autosomal dominant inheritance. Study: GREGoR Consortium.
Comment: The c.553-4A>G variant in SRSF1 has not been previously reported in the literature in individuals with neurdevelopmental disorder, and has been identified in 0.00009% (1/1179760) of Non-finish European chromosomes by the Genome Aggregation Database (gnomAD; dbSNP rs2509284804). Although this variant has been seen in the general population in a heterozygous state, its frequency is not high enough to rule out a pathogenic role. This variant is located in the 3’ splice region. Computational tools suggest an impact to splicing. However, this information is not predictive enough to determine/rule out pathogenicity. In summary, the clinical significance of the c.553-4A>G variant is uncertain. ACMG/AMP Criteria applied: PP3 (Richards 2015).

NM_006924.5(SRSF1):c.553-4A>G

Genes: SRSF1 (serine and arginine rich splicing factor 1; minus strand), LOC126862603 (BRD4-independent group 4 enhancer GRCh37_chr17:56082218-56083417; plus strand). Cytogenetic location: 17q22.
Variant type: single nucleotide variant.
Coding change: c.553-4A>G on transcript NM_006924.5 (MANE Select); 4 bases into the intron before coding-DNA position 553, A replaced by G.
Molecular consequence: intron variant. On other transcripts: 3 prime UTR variant (1), non-coding transcript variant (2).
Genome position (GRCh38, 1-based): chr17:58,005,604, T>C on the plus strand (A>G on the coding strand, the complement: SRSF1 is on the minus strand). VCF-style: chr17-58005604-T-C. GRCh37 (hg19) VCF-style: chr17-56082965-T-C.
Other names: NR_034041.2:n.858A>G; c.*143A>G (NM_001078166.2).
Identifiers: ClinVar variation 4974520 (VCV004974520.1).